The following is an entry in ClinVar:

NM_001082486.2(ACD):c.626C>T (p.Ala209Val)

Gene: ACD (ACD shelterin complex subunit and telomerase recruitment factor; minus strand). Cytogenetic location: 16q22.1.
Variant type: single nucleotide variant.
Coding change: c.626C>T on transcript NM_001082486.2 (MANE Select); coding-DNA position 626, C replaced by T.
Protein change: p.Ala209Val; replaces alanine 209 with valine.
Molecular consequence: missense variant.
Genome position (GRCh38, 1-based): chr16:67,658,947, G>A on the plus strand (C>T on the coding strand, the complement: ACD is on the minus strand). VCF-style: chr16-67658947-G-A. GRCh37 (hg19) VCF-style: chr16-67692850-G-A.
Other names: c.626C>T, p.Ala209Val (NM_001410884.1); c.617C>T, p.Ala206Val (NM_022914.3); short protein forms A206V, A209V.
Identifiers: ClinVar variation 2562310 (VCV002562310.5), dbSNP rs1308347829, ClinGen allele CA396353914.

ClinVar aggregate classification (germline): Uncertain significance. Review status: criteria provided, multiple submitters, no conflicts (2 of 4 stars). 2 submissions from 2 submitters: Uncertain significance (2). Last evaluated 2023-04-18.

Conditions:
Dyskeratosis congenita, autosomal dominant 6 (DKCA6). Identifiers: Orphanet 3322, MedGen C4225284, MONDO:0014690, OMIM 616553.
Inborn genetic diseases. Identifiers: MedGen C0950123, MeSH D030342.

Submissions (2):

Ambry Genetics
Classification: Uncertain significance for Inborn genetic diseases. Last evaluated: 2023-04-18. Review status: criteria provided, single submitter. Criteria: Ambry Variant Classification Scheme 2023. Collection method: clinical testing. Allele origin: germline.
Comment: The p.A295V variant (also known as c.884C>T), located in coding exon 7 of the ACD gene, results from a C to T substitution at nucleotide position 884. The alanine at codon 295 is replaced by valine, an amino acid with similar properties. This amino acid position is conserved. In addition, this alteration is predicted to be tolerated by in silico analysis. Since supporting evidence is limited at this time, the clinical significance of this alteration remains unclear.

Labcorp Genetics (formerly Invitae), Labcorp
Classification: Uncertain significance for Dyskeratosis congenita, autosomal dominant 6. Last evaluated: 2023-01-03. Review status: criteria provided, single submitter. Criteria: Invitae Variant Classification Sherloc (09022015). Collection method: clinical testing. Allele origin: germline.
Comment: This sequence change replaces alanine, which is neutral and non-polar, with valine, which is neutral and non-polar, at codon 295 of the ACD protein (p.Ala295Val). This variant is not present in population databases (gnomAD no frequency). This variant has not been reported in the literature in individuals affected with ACD-related conditions. Advanced modeling of protein sequence and biophysical properties (such as structural, functional, and spatial information, amino acid conservation, physicochemical variation, residue mobility, and thermodynamic stability) performed at Invitae indicates that this missense variant is not expected to disrupt ACD protein function. In summary, the available evidence is currently insufficient to determine the role of this variant in disease. Therefore, it has been classified as a Variant of Uncertain Significance.